The following is an entry in ClinVar:

ClinVar aggregate classification (germline): Conflicting classifications of pathogenicity. Review status: criteria provided, conflicting classifications (1 of 4 stars). 5 submissions from 5 submitters: Likely pathogenic (1); Uncertain significance (3). 1 of the submissions does not count toward it. Last evaluated 2025-05-08.

Conditions:
POLG-related disorder. Also called: POLG-Related Spectrum Disorders; POLG-related condition; POLG-Related Disorders. Identifiers: MedGen C4763519.

Allele frequency attached by ClinVar (database versions not stated): gnomAD exomes 0.00001 and below 0.00001; ExAC 0.00001; gnomAD 0.00001.

Submissions (5):

Women's Health and Genetics/Laboratory Corporation of America, LabCorp
Classification: Uncertain significance. Last evaluated: 2025-05-08. Review status: criteria provided, single submitter. Criteria: LabCorp Variant Classification Summary - May 2015. Collection method: clinical testing. Allele origin: germline.
Comment: Variant summary: POLG c.3347T>C (p.Met1116Thr) results in a non-conservative amino acid change located in the DNA polymerase gamma, palm domain (IPR047580) of the encoded protein sequence. Algorithms developed to predict the effect of missense changes on protein structure and function all suggest that this variant is likely to be disruptive. The variant allele was found at a frequency of 8e-06 in 251466 control chromosomes. The available data on variant occurrences in the general population are insufficient to allow any conclusion about variant significance. To our knowledge, no occurrence of c.3347T>C in individuals affected with POLG-Related Spectrum Disorders and no experimental evidence demonstrating its impact on protein function have been reported. ClinVar contains an entry for this variant (Variation ID: 206562). Based on the evidence outlined above, the variant was classified as uncertain significance.

Mayo Clinic Laboratories, Mayo Clinic
Classification: Uncertain significance. Last evaluated: 2021-12-30. Review status: criteria provided, single submitter. Criteria: ACMG Guidelines, 2015. Collection method: clinical testing. Allele origin: germline.

CeGaT Center for Human Genetics Tuebingen
Classification: Uncertain significance. Last evaluated: 2021-08-01. Review status: criteria provided, single submitter. Criteria: CeGaT Center For Human Genetics Tuebingen Variant Classification Criteria Version 2. Collection method: clinical testing. Allele origin: germline. Affected: yes. Observed: 1 variant allele.

GeneDx
Classification: Likely pathogenic. Last evaluated: 2014-05-22. Review status: criteria provided, single submitter. Criteria: GeneDx Variant Classification (06012015). Collection method: clinical testing. Allele origin: germline. Affected: yes.
Comment: p.Met1116Thr (ATG>ACG): c.3347 T>C in exon 21 of the POLG gene (NM_002693.2). The M1116T variant has not been published as a mutation, nor has it been reported as a benign polymorphism to our knowledge. It was not observed in approximately 6,500 individuals of European and African American ancestry in the NHLBI Exome Sequencing Project, indicating it is not a common benign variant in these populations. The M1116T variant is a non-conservative amino acid substitution, which is likely to impact secondary protein structure as these residues differ in polarity, charge, size and/or other properties. This substitution occurs at a position that is conserved across species. In silico analysis predicts this variant is probably damaging to the protein structure/function. Missense mutations in nearby residues (V1106I, H1110Y, L1113P) have been reported in association with POLG-related disorders, supporting the functional importance of this region of the protein. However, based on the currently available information, it is unclear whether this variant is a pathogenic mutation or a rare benign variant. The variant is found in INFANT-EPI panel(s).

PreventionGenetics, part of Exact Sciences
Classification: Uncertain significance for POLG-related condition. Last evaluated: 2024-09-23. Review status: no assertion criteria provided. Collection method: clinical testing. Allele origin: germline. Not counted in ClinVar's aggregate classification.
Comment: The POLG c.3347T>C variant is predicted to result in the amino acid substitution p.Met1116Thr. To our knowledge, this variant has not been reported in the literature. This variant is reported in 0.0050% of alleles in individuals of East Asian descent in gnomAD. At this time, the clinical significance of this variant is uncertain due to the absence of conclusive functional and genetic evidence.

NM_002693.3(POLG):c.3347T>C (p.Met1116Thr)

Gene: POLG (DNA polymerase gamma, catalytic subunit; minus strand). Cytogenetic location: 15q26.1.
Variant type: single nucleotide variant.
Coding change: c.3347T>C on transcript NM_002693.3 (MANE Select); coding-DNA position 3347, T replaced by C.
Protein change: p.Met1116Thr; replaces methionine 1116 with threonine.
Molecular consequence: missense variant.
Genome position (GRCh38, 1-based): chr15:89,318,676, A>G on the plus strand (T>C on the coding strand, the complement: POLG is on the minus strand). VCF-style: chr15-89318676-A-G. GRCh37 (hg19) VCF-style: chr15-89861907-A-G.
Other names: p.M1116T:ATG>ACG; p.Met1116Thr; c.3347T>C, p.Met1116Thr (NM_001126131.2); short protein forms M1116T.
Identifiers: ClinVar variation 206562 (VCV000206562.42), dbSNP rs764036283, ClinGen allele CA316768.